The following is an entry in ClinVar:

NM_000432.4(MYL2):c.197_203del (p.Ile66fs)

Gene: MYL2 (myosin light chain 2; minus strand). Cytogenetic location: 12q24.11.
Variant type: Deletion.
Coding change: c.197_203del on transcript NM_000432.4 (MANE Select); coding-DNA positions 197 to 203, 7 bases deleted (TTGATGA; older notation c.197_203delTTGATGA).
Protein change: p.Ile66fs; shifts the reading frame from isoleucine 66.
Molecular consequence: frameshift variant.
Genome position (GRCh38, 1-based): chr12:110,914,257-110,914,263, TCATCAA deleted on the plus strand (TTGATGA on the coding strand, the reverse complement: MYL2 is on the minus strand); deleting any 7 consecutive bases within chr12:110,914,257-110,914,264 gives the same sequence; the c. name uses the placement nearest the transcript's 3' end. VCF-style (leftmost placement, unchanged base first): chr12-110914256-TTCATCAA-T. GRCh37 (hg19) VCF-style: chr12-111352060-TTCATCAA-T.
Other names: short protein forms I66fs.
Identifiers: ClinVar variation 1517225 (VCV001517225.6), dbSNP rs2136772297, ClinGen allele CA2573147987.

ClinVar aggregate classification (germline): Uncertain significance (1 of 4 stars; one submission).

Conditions:
Hypertrophic cardiomyopathy 10. Also called: CARDIOMYOPATHY, HYPERTROPHIC, MID-LEFT VENTRICULAR CHAMBER TYPE, 2; MYL2-Related Familial Hypertrophic Cardiomyopathy. Identifiers: MedGen C1834460, MONDO:0012112, OMIM 608758.

Submission:

Labcorp Genetics (formerly Invitae), Labcorp
Classification: Uncertain significance for Hypertrophic cardiomyopathy 10. Last evaluated: 2021-03-17. Review status: criteria provided, single submitter. Criteria: Invitae Variant Classification Sherloc (09022015). Collection method: clinical testing. Allele origin: germline.
Comment: In summary, the available evidence is currently insufficient to determine the role of this variant in disease. Therefore, it has been classified as a Variant of Uncertain Significance. This variant has not been reported in the literature in individuals with MYL2-related conditions. This variant is not present in population databases (ExAC no frequency). This sequence change creates a premature translational stop signal (p.Ile66Lysfs*2) in the MYL2 gene. It is expected to result in an absent or disrupted protein product. However, the current clinical and genetic evidence is not sufficient to establish whether loss-of-function variants in MYL2 cause disease.